The following is an entry in ClinVar:

NM_020903.3(USP29):c.1578C>T (p.Asn526=)

Gene: USP29 (ubiquitin specific peptidase 29; plus strand). Cytogenetic location: 19q13.43.
Variant type: single nucleotide variant.
Coding change: c.1578C>T on transcript NM_020903.3 (MANE Select); coding-DNA position 1578, C replaced by T.
Protein change: p.Asn526=; no amino-acid change (asparagine 526 retained).
Molecular consequence: synonymous variant.
Genome position (GRCh38, 1-based): chr19:57,130,253, C>T. VCF-style: chr19-57130253-C-T. GRCh37 (hg19) VCF-style: chr19-57641621-C-T.
Other names: c.1578C>T, p.Asn526= (NM_001389643.1).
Identifiers: ClinVar variation 2650567 (VCV002650567.24), dbSNP rs112352747, ClinGen allele CA9694439.

ClinVar aggregate classification (germline): Likely benign (1 of 4 stars; one submission).

Allele frequency attached by ClinVar (database versions not stated): gnomAD 0.00088; 1000 Genomes Project 30x 0.00094; TOPMed 0.00094; 1000 Genomes Project 0.00100; ESP Exome Variant Server 0.00108.
gnomAD v4.1: 1,856 of 1,614,128 alleles (0.11%); highest among the groups gnomAD compares: Non-Finnish European, 0.14%; 2 homozygotes.

Submission:

CeGaT Center for Human Genetics Tuebingen
Classification: Likely benign. Last evaluated: 2023-03-01. Review status: criteria provided, single submitter. Criteria: CeGaT Center For Human Genetics Tuebingen Variant Classification Criteria Version 2. Collection method: clinical testing. Allele origin: germline. Affected: yes. Observed: 1 variant allele.
Comment: USP29: BP4, BP7